The following is an entry in ClinVar:

ClinVar aggregate classification (germline): Uncertain significance (1 of 4 stars; one submission).

gnomAD v4.1: 1 of 1,613,714 alleles (0.000062%); highest among the groups gnomAD compares: Non-Finnish European, 0.000085%; no homozygotes.

Submission:

CeGaT Center for Human Genetics Tuebingen
Classification: Uncertain significance. Last evaluated: 2023-10-01. Review status: criteria provided, single submitter. Criteria: CeGaT Center For Human Genetics Tuebingen Variant Classification Criteria Version 2. Collection method: clinical testing. Allele origin: germline. Affected: yes. Observed: 1 variant allele.
Comment: TTN: PM2, PM5, BP4

NM_001267550.2(TTN):c.23444G>C (p.Arg7815Pro)

Gene: TTN (titin; minus strand). Cytogenetic location: 2q31.2.
Variant type: single nucleotide variant.
Coding change: c.23444G>C on transcript NM_001267550.2 (MANE Select); coding-DNA position 23444, G replaced by C.
Protein change: p.Arg7815Pro; replaces arginine 7815 with proline.
Molecular consequence: missense variant. On other transcripts: intron variant (3).
Genome position (GRCh38, 1-based): chr2:178,720,198, C>G on the plus strand (G>C on the coding strand, the complement: TTN is on the minus strand). VCF-style: chr2-178720198-C-G. GRCh37 (hg19) VCF-style: chr2-179584925-C-G.
Other names: c.22493G>C, p.Arg7498Pro (NM_001256850.1); c.19712G>C, p.Arg6571Pro (NM_133378.4); c.13282+17884G>C (NM_003319.4); c.13858+17884G>C (NM_133437.4); c.13657+17884G>C (NM_133432.3); short protein forms R6571P, R7498P, R7815P.
Identifiers: ClinVar variation 2651684 (VCV002651684.24), dbSNP rs372804810, ClinGen allele CA349512485.